The following is an entry in ClinVar:

NM_002788.4(PSMA3):c.691G>C (p.Asp231His)

Genes: PSMA3 (proteasome 20S subunit alpha 3; plus strand), PSMA3-AS1 (PSMA3 antisense RNA 1; minus strand). Cytogenetic location: 14q23.1.
Variant type: single nucleotide variant.
Coding change: c.691G>C on transcript NM_002788.4 (MANE Select); coding-DNA position 691, G replaced by C.
Protein change: p.Asp231His; replaces aspartic acid 231 with histidine.
Molecular consequence: missense variant. On other transcripts: non-coding transcript variant (1).
Genome position (GRCh38, 1-based): chr14:58,270,966, G>C. VCF-style: chr14-58270966-G-C. GRCh37 (hg19) VCF-style: chr14-58737684-G-C.
Other names: c.670G>C, p.Asp224His (NM_152132.3); short protein forms D231H, D224H.
Identifiers: ClinVar variation 3678177 (VCV003678177.2).

ClinVar aggregate classification (germline): Uncertain significance (1 of 4 stars; one submission).

gnomAD v4.1: 6 of 1,608,662 alleles (0.00037%); highest among the groups gnomAD compares: Non-Finnish European, 0.00051%; no homozygotes.

Submission:

Labcorp Genetics (formerly Invitae), Labcorp
Classification: Uncertain significance. Last evaluated: 2024-12-24. Review status: criteria provided, single submitter. Criteria: Invitae Variant Classification Sherloc (09022015). Collection method: clinical testing. Allele origin: germline.
Comment: This sequence change replaces aspartic acid, which is acidic and polar, with histidine, which is basic and polar, at codon 231 of the PSMA3 protein (p.Asp231His). This variant is present in population databases (rs749734807, gnomAD 0.0009%). This variant has not been reported in the literature in individuals affected with PSMA3-related conditions. An algorithm developed to predict the effect of missense changes on protein structure and function (PolyPhen-2) suggests that this variant is likely to be tolerated. In summary, the available evidence is currently insufficient to determine the role of this variant in disease. Therefore, it has been classified as a Variant of Uncertain Significance.